The following is an entry in ClinVar:

ClinVar aggregate classification (germline): Benign/Likely benign. Review status: criteria provided, multiple submitters, no conflicts (2 of 4 stars). 2 submissions from 2 submitters: Benign (1); Likely benign (1). Last evaluated 2024-12-19.

Conditions:
Hereditary cancer-predisposing syndrome. Also called: Neoplastic Syndromes, Hereditary; Tumor predisposition; Hereditary neoplastic syndrome; Hereditary Cancer Syndrome. Identifiers: Orphanet 140162, MedGen C0027672, MeSH D009386, MONDO:0015356.
Lynch syndrome 5 (LYNCH5). Also called: Colorectal cancer, hereditary nonpolyposis, type 5; Hereditary non-polyposis colorectal cancer, type 5. Identifiers: Orphanet 144, MedGen C1833477, MONDO:0013710, OMIM 614350. Disease mechanism: loss of function.

Submissions (2):

Myriad Genetics, Inc.
Classification: Benign for Lynch syndrome 5. Last evaluated: 2024-12-19. Review status: criteria provided, single submitter. Criteria: Myriad Autosomal Dominant, Autosomal Recessive and X-Linked Classification Criteria (2023). Collection method: clinical testing. Allele origin: unknown.
Comment: This variant is considered benign. This variant is a silent/synonymous amino acid change and it is not expected to impact splicing.

Ambry Genetics
Classification: Likely benign for Hereditary cancer-predisposing syndrome. Last evaluated: 2019-08-23. Review status: criteria provided, single submitter. Criteria: Ambry Variant Classification Scheme 2023. Collection method: clinical testing. Allele origin: germline.

NM_000179.3(MSH6):c.645A>G (p.Val215=)

Gene: MSH6 (mutS homolog 6; plus strand). Cytogenetic location: 2p16.3.
Variant type: single nucleotide variant.
Coding change: c.645A>G on transcript NM_000179.3 (MANE Select); coding-DNA position 645, A replaced by G.
Protein change: p.Val215=; no amino-acid change (valine 215 retained).
Molecular consequence: synonymous variant. On other transcripts: 5 prime UTR variant (2).
Genome position (GRCh38, 1-based): chr2:47,798,628, A>G. VCF-style: chr2-47798628-A-G. GRCh37 (hg19) VCF-style: chr2-48025767-A-G.
Other names: c.255A>G, p.Val85= (NM_001281492.2); c.-262A>G (NM_001281493.2, NM_001281494.2).
Identifiers: ClinVar variation 826416 (VCV000826416.5), dbSNP rs1572719784, ClinGen allele CA425995819.